The following is an entry in ClinVar:

ClinVar aggregate classification (germline): Pathogenic (1 of 4 stars; one submission).

Conditions:
Hereditary breast ovarian cancer syndrome. Also called: Hereditary breast and ovarian cancer syndrome; Hereditary breast and/or ovarian cancer syndrome; BRCA1- and BRCA2-Associated Hereditary Breast and Ovarian Cancer; Breast and ovarian cancer; Hereditary breast and ovarian cancer; Hereditary breast and ovarian cancer syndrome (HBOC). Identifiers: Orphanet 145, MedGen C0677776, MeSH D061325, MONDO:0003582. Disease mechanism: loss of function.

Submission:

Labcorp Genetics (formerly Invitae), Labcorp
Classification: Pathogenic for Hereditary breast ovarian cancer syndrome. Last evaluated: 2024-04-30. Review status: criteria provided, single submitter. Criteria: Invitae Variant Classification Sherloc (09022015). Collection method: clinical testing. Allele origin: germline.
Comment: This sequence change creates a premature translational stop signal (p.Lys1568Serfs*11) in the BRCA2 gene. It is expected to result in an absent or disrupted protein product. Loss-of-function variants in BRCA2 are known to be pathogenic (PMID: 20104584). This variant is not present in population databases (gnomAD no frequency). This premature translational stop signal has been observed in individual(s) with BRCA2-related conditions (PMID: 30262796). This variant is also known as c.4701delA (p.P1567fs). For these reasons, this variant has been classified as Pathogenic.

Literature cited by the submitters: PubMed 20104584; PubMed 30262796.

NM_000059.4(BRCA2):c.4703del (p.Lys1568fs)

Gene: BRCA2 (BRCA2 DNA repair associated; plus strand). Cytogenetic location: 13q13.1.
Variant type: Deletion.
Coding change: c.4703del on transcript NM_000059.4 (MANE Select); coding-DNA position 4703, one base deleted (A; older notation c.4703delA).
Protein change: p.Lys1568fs; shifts the reading frame from lysine 1568.
Molecular consequence: frameshift variant.
Genome position (GRCh38, 1-based): chr13:32,339,058, A deleted; the last of 3 consecutive A bases (chr13:32,339,056-32,339,058); deleting any one gives the same sequence. VCF-style (leftmost placement, unchanged base first): chr13-32339055-TA-T. GRCh37 (hg19) VCF-style: chr13-32913192-TA-T.
Other names: short protein forms K1568fs.
Identifiers: ClinVar variation 3709109 (VCV003709109.2).
Genomic context (GRCh38, chr13:32,339,055, plus strand): 5'-ATGAAAAAGAGCAAGGTACTAGTGAAATCACCAGTTTTAGCCATCAATGGGCAAAGACCC[TA>T]AAGTACAGAGAGGCCTGTAAAGACCTTGAATTAGCATGTGAGACCATTGAGATCACAGCT-3'